The following is an entry in ClinVar:

NM_000081.4(LYST):c.8143G>A (p.Val2715Ile)

Gene: LYST (lysosomal trafficking regulator; minus strand). Cytogenetic location: 1q42.3.
Variant type: single nucleotide variant.
Coding change: c.8143G>A on transcript NM_000081.4 (MANE Select); coding-DNA position 8143, G replaced by A.
Protein change: p.Val2715Ile; replaces valine 2715 with isoleucine.
Molecular consequence: missense variant.
Genome position (GRCh38, 1-based): chr1:235,743,987, C>T on the plus strand (G>A on the coding strand, the complement: LYST is on the minus strand). VCF-style: chr1-235743987-C-T. GRCh37 (hg19) VCF-style: chr1-235907287-C-T.
Other names: p.Val2715Ile; c.8143G>A, p.Val2715Ile (NM_001301365.1); short protein forms V2715I.
Identifiers: ClinVar variation 876715 (VCV000876715.12), dbSNP rs202010795, ClinGen allele CA1465943.

ClinVar aggregate classification (germline): Uncertain significance. Review status: criteria provided, multiple submitters, no conflicts (2 of 4 stars). 5 submissions from 5 submitters: Uncertain significance (5). Last evaluated 2026-01-11.

Conditions:
Inborn genetic diseases. Identifiers: MedGen C0950123, MeSH D030342.
Chédiak-Higashi syndrome (CHS). Also called: Chediak-Higashi Syndrome. Identifiers: Orphanet 167, MedGen C0007965, MONDO:0008963, OMIM 214500.

Allele frequency attached by ClinVar (database versions not stated): gnomAD 0.00001 and 0.00005; gnomAD exomes 0.00014; ESP Exome Variant Server 0.00015; 1000 Genomes Project 30x 0.00016; 1000 Genomes Project 0.00020; ExAC 0.00023.
gnomAD v4.1: 103 of 1,435,366 alleles (0.0072%); highest among the groups gnomAD compares: South Asian, 0.045%; no homozygotes.

Submissions (5):

Labcorp Genetics (formerly Invitae), Labcorp
Classification: Uncertain significance for Chédiak-Higashi syndrome. Last evaluated: 2026-01-11. Review status: criteria provided, single submitter. Criteria: Invitae Variant Classification Sherloc (09022015). Collection method: clinical testing. Allele origin: germline.
Comment: This sequence change replaces valine, which is neutral and non-polar, with isoleucine, which is neutral and non-polar, at codon 2715 of the LYST protein (p.Val2715Ile). This variant is present in population databases (rs202010795, gnomAD 0.05%). This variant has not been reported in the literature in individuals affected with LYST-related conditions. ClinVar contains an entry for this variant (Variation ID: 876715). Invitae Evidence Modeling of protein sequence and biophysical properties (such as structural, functional, and spatial information, amino acid conservation, physicochemical variation, residue mobility, and thermodynamic stability) indicates that this missense variant is not expected to disrupt LYST protein function with a negative predictive value of 80%. In summary, the available evidence is currently insufficient to determine the role of this variant in disease. Therefore, it has been classified as a Variant of Uncertain Significance.

Ambry Genetics
Classification: Uncertain significance for Inborn genetic diseases. Last evaluated: 2025-08-09. Review status: criteria provided, single submitter. Criteria: Ambry Variant Classification Scheme 2023. Collection method: clinical testing. Allele origin: germline.

Mayo Clinic Laboratories, Mayo Clinic
Classification: Uncertain significance. Last evaluated: 2023-07-25. Review status: criteria provided, single submitter. Criteria: ACMG Guidelines, 2015. Collection method: clinical testing. Allele origin: germline. Observed: 1 variant allele.
Comment: BP4

GeneDx
Classification: Uncertain significance. Last evaluated: 2021-04-05. Review status: criteria provided, single submitter. Criteria: GeneDx Variant Classification Process June 2021. Collection method: clinical testing. Allele origin: germline. Affected: yes.
Comment: Has not been previously published as pathogenic or benign to our knowledge; In silico analysis supports that this missense variant does not alter protein structure/function

Illumina Laboratory Services, Illumina
Classification: Uncertain significance for Chédiak-Higashi syndrome. Last evaluated: 2018-01-12. Review status: criteria provided, single submitter. Criteria: ICSL Variant Classification Criteria 13 December 2019. Collection method: clinical testing. Allele origin: germline.